The following is an entry in ClinVar:

NM_032638.5(GATA2):c.232C>T (p.Arg78Cys)

Gene: GATA2 (GATA binding protein 2; minus strand). Cytogenetic location: 3q21.3.
Variant type: single nucleotide variant.
Coding change: c.232C>T on transcript NM_032638.5 (MANE Select); coding-DNA position 232, C replaced by T.
Protein change: p.Arg78Cys; replaces arginine 78 with cysteine.
Molecular consequence: missense variant.
Genome position (GRCh38, 1-based): chr3:128,486,366, G>A on the plus strand (C>T on the coding strand, the complement: GATA2 is on the minus strand). VCF-style: chr3-128486366-G-A. GRCh37 (hg19) VCF-style: chr3-128205209-G-A.
Other names: c.232C>T, p.Arg78Cys (NM_001145661.2, NM_001145662.1); short protein forms R78C.
Identifiers: ClinVar variation 4028514 (VCV004028514.1).

ClinVar aggregate classification (germline): Uncertain significance (1 of 4 stars; one submission).

Conditions:
Inborn genetic diseases. Identifiers: MedGen C0950123, MeSH D030342.

Submission:

Ambry Genetics
Classification: Uncertain significance for Inborn genetic diseases. Last evaluated: 2025-06-03. Review status: criteria provided, single submitter. Criteria: Ambry Variant Classification Scheme 2023. Collection method: clinical testing. Allele origin: germline.
Comment: The p.R78C variant (also known as c.232C>T), located in coding exon 2 of the GATA2 gene, results from a C to T substitution at nucleotide position 232. The arginine at codon 78 is replaced by cysteine, an amino acid with highly dissimilar properties. This amino acid position is well conserved in available vertebrate species. In addition, this alteration is predicted to be deleterious by in silico analysis. Based on the available evidence, the clinical significance of this variant remains unclear.